The following is an entry in ClinVar:

ClinVar aggregate classification (germline): Likely benign. Review status: criteria provided, multiple submitters, no conflicts (2 of 4 stars). 2 submissions from 2 submitters: Likely benign (2). Last evaluated 2025-03-31.

Conditions:
Nephronophthisis. Also called: Juvenile Nephronophthisis. Identifiers: Orphanet 655, MedGen C0687120, MONDO:0019005, HP:0000090.
INVS-related disorder. Also called: INVS-related condition.

Allele frequency attached by ClinVar (database versions not stated): TOPMed 0.00002.
gnomAD v4.1: 4 of 1,613,886 alleles (0.00025%); highest among the groups gnomAD compares: East Asian, 0.0067%; no homozygotes.

Submissions (2):

Labcorp Genetics (formerly Invitae), Labcorp
Classification: Likely benign for Nephronophthisis. Last evaluated: 2025-03-31. Review status: criteria provided, single submitter. Criteria: Invitae Variant Classification Sherloc (09022015). Collection method: clinical testing. Allele origin: germline.

PreventionGenetics, part of Exact Sciences
Classification: Likely benign for INVS-related condition. Last evaluated: 2025-02-07. Review status: criteria provided, single submitter. Criteria: ACMG Guidelines, 2015. Collection method: clinical testing. Allele origin: germline.
Comment: This variant is classified as likely benign based on ACMG/AMP sequence variant interpretation guidelines (Richards et al. 2015 PMID: 25741868, with internal and published modifications).

NM_014425.5(INVS):c.1356G>A (p.Gln452=)

Gene: INVS (inversin; plus strand). Cytogenetic location: 9q31.1.
Variant type: single nucleotide variant.
Coding change: c.1356G>A on transcript NM_014425.5 (MANE Select); coding-DNA position 1356, G replaced by A.
Protein change: p.Gln452=; no amino-acid change (glutamine 452 retained).
Molecular consequence: synonymous variant. On other transcripts: non-coding transcript variant (1).
Genome position (GRCh38, 1-based): chr9:100,253,028, G>A. VCF-style: chr9-100253028-G-A. GRCh37 (hg19) VCF-style: chr9-103015310-G-A.
Other names: c.1356G>A (NM_014425.4); c.1068G>A, p.Gln356= (NM_001318381.2); c.378G>A, p.Gln126= (NM_001318382.2).
Identifiers: ClinVar variation 2745488 (VCV002745488.4), dbSNP rs1193824193, ClinGen allele CA466559886.